The following is an entry in ClinVar:

NM_144687.4(NLRP12):c.1621G>A (p.Val541Met)

Gene: NLRP12 (NLR family pyrin domain containing 12; minus strand). Cytogenetic location: 19q13.42.
Variant type: single nucleotide variant.
Coding change: c.1621G>A on transcript NM_144687.4 (MANE Select); coding-DNA position 1621, G replaced by A.
Protein change: p.Val541Met; replaces valine 541 with methionine.
Molecular consequence: missense variant.
Genome position (GRCh38, 1-based): chr19:53,810,038, C>T on the plus strand (G>A on the coding strand, the complement: NLRP12 is on the minus strand). VCF-style: chr19-53810038-C-T. GRCh37 (hg19) VCF-style: chr19-54313292-C-T.
Other names: c.1621G>A, p.Val541Met (NM_001277126.2, NM_001277129.1); short protein forms V541M.
Identifiers: ClinVar variation 851644 (VCV000851644.9), dbSNP rs142569357, ClinGen allele CA9639389.

ClinVar aggregate classification (germline): Uncertain significance (1 of 4 stars; one submission).

Conditions:
Familial cold autoinflammatory syndrome 2 (FCAS2). Identifiers: Orphanet 247868, MedGen C2673198, MONDO:0012724, OMIM 611762.

Allele frequency attached by ClinVar (database versions not stated): TOPMed 0.00005.
gnomAD v4.1: 7 of 1,614,034 alleles (0.00043%); highest among the groups gnomAD compares: African/African-American, 0.0053%; no homozygotes.

Submission:

Labcorp Genetics (formerly Invitae), Labcorp
Classification: Uncertain significance for Familial cold autoinflammatory syndrome 2. Last evaluated: 2025-02-19. Review status: criteria provided, single submitter. Criteria: Invitae Variant Classification Sherloc (09022015). Collection method: clinical testing. Allele origin: germline.
Comment: This sequence change replaces valine, which is neutral and non-polar, with methionine, which is neutral and non-polar, at codon 541 of the NLRP12 protein (p.Val541Met). This variant is present in population databases (rs142569357, gnomAD 0.007%). This variant has not been reported in the literature in individuals affected with NLRP12-related conditions. ClinVar contains an entry for this variant (Variation ID: 851644). Invitae Evidence Modeling of protein sequence and biophysical properties (such as structural, functional, and spatial information, amino acid conservation, physicochemical variation, residue mobility, and thermodynamic stability) indicates that this missense variant is not expected to disrupt NLRP12 protein function with a negative predictive value of 80%. In summary, the available evidence is currently insufficient to determine the role of this variant in disease. Therefore, it has been classified as a Variant of Uncertain Significance.